The following is an entry in ClinVar:

ClinVar aggregate classification (germline): Conflicting classifications of pathogenicity. Review status: criteria provided, conflicting classifications (1 of 4 stars). 2 submissions from 2 submitters: Uncertain significance (1); Likely benign (1). Last evaluated 2022-07-05.

Allele frequency attached by ClinVar (database versions not stated): gnomAD 0.00001; gnomAD exomes 0.00004; ExAC 0.00008.
gnomAD v4.1: 37 of 1,613,384 alleles (0.0023%); highest among the groups gnomAD compares: Admixed American, 0.005%; no homozygotes.

Submissions (2):

Labcorp Genetics (formerly Invitae), Labcorp
Classification: Uncertain significance. Last evaluated: 2022-07-05. Review status: criteria provided, single submitter. Criteria: Invitae Variant Classification Sherloc (09022015). Collection method: clinical testing. Allele origin: germline.
Comment: In summary, the available evidence is currently insufficient to determine the role of this variant in disease. Therefore, it has been classified as a Variant of Uncertain Significance. Algorithms developed to predict the effect of missense changes on protein structure and function output the following: SIFT: "Deleterious"; PolyPhen-2: "Benign"; Align-GVGD: "Class C0". The valine amino acid residue is found in multiple mammalian species, which suggests that this missense change does not adversely affect protein function. ClinVar contains an entry for this variant (Variation ID: 514369). This variant has not been reported in the literature in individuals affected with COCH-related conditions. This variant is present in population databases (rs760397052, gnomAD 0.009%). This sequence change replaces leucine, which is neutral and non-polar, with valine, which is neutral and non-polar, at codon 9 of the COCH protein (p.Leu9Val).

GeneDx
Classification: Likely benign. Last evaluated: 2018-01-22. Review status: criteria provided, single submitter. Criteria: GeneDx Variant Classification (06012015). Collection method: clinical testing. Allele origin: germline. Affected: yes.
Comment: This variant is considered likely benign or benign based on one or more of the following criteria: it is a conservative change, it occurs at a poorly conserved position in the protein, it is predicted to be benign by multiple in silico algorithms, and/or has population frequency not consistent with disease.

NM_004086.3(COCH):c.25C>G (p.Leu9Val)

Gene: COCH (cochlin; plus strand). Cytogenetic location: 14q12.
Variant type: single nucleotide variant.
Coding change: c.25C>G on transcript NM_004086.3 (MANE Select); coding-DNA position 25, C replaced by G.
Protein change: p.Leu9Val; replaces leucine 9 with valine.
Molecular consequence: missense variant.
Genome position (GRCh38, 1-based): chr14:30,874,963, C>G. VCF-style: chr14-30874963-C-G. GRCh37 (hg19) VCF-style: chr14-31344169-C-G.
Other names: c.25C>G, p.Leu9Val (NM_001135058.2, NM_001347720.2); short protein forms L9V.
Identifiers: ClinVar variation 514369 (VCV000514369.6), dbSNP rs760397052, ClinGen allele CA7142879.
Genomic context (GRCh38, chr14:30,874,963, plus strand): 5'-CCCTCTCTCCCAGGTGTGAGCAGCCTATCAGTCACCATGTCCGCAGCCTGGATCCCGGCT[C>G]TCGGCCTCGGTGGGTGCGCGCCCCTCACGACCCCGGCCCCTTGCTCCGCTGGGTGGAGGC-3'
Protein context (NP_004077.1, residues 1-19): MSAAWIPA[Leu9Val]GLGVCLLLLP